The following is an entry in ClinVar:

ClinVar aggregate classification (germline): Likely pathogenic (1 of 4 stars; one submission).

Conditions:
Alport syndrome. Also called: Hemorrhagic familial nephritis; Hemorrhagic hereditary nephritis; Congenital hereditary hematuria. Identifiers: Orphanet 63, MedGen C1567741, MONDO:0018965.

gnomAD v4.1: 5 of 1,612,378 alleles (0.00031%); highest among the groups gnomAD compares: East Asian, 0.0089%; no homozygotes.

Submission:

Natera, Inc.
Classification: Likely pathogenic for Alport syndrome. Last evaluated: 2025-09-17. Review status: criteria provided, single submitter. Criteria: Natera Variant Classification Schema (03/2026). Collection method: clinical testing. Allele origin: germline.
Comment: The c.424G>A variant in COL4A3 is a missense variant predicted to cause substitution of glycine to serine at amino acid 142. This variant is rare in the general population with a frequency below the threshold expected for the associated phenotype(s). This variant is located in a functionally critical region of the protein. Computational prediction algorithms indicate this variant is likely to affect gene or protein function. Given the available evidence, this variant is classified as Likely Pathogenic.

NM_000091.5(COL4A3):c.424G>A (p.Gly142Ser)

Genes: COL4A3 (collagen type IV alpha 3 chain; plus strand), MFF-DT (MFF divergent transcript; minus strand). Cytogenetic location: 2q36.3.
Variant type: single nucleotide variant.
Coding change: c.424G>A on transcript NM_000091.5 (MANE Select); coding-DNA position 424, G replaced by A.
Protein change: p.Gly142Ser; replaces glycine 142 with serine.
Molecular consequence: missense variant.
Genome position (GRCh38, 1-based): chr2:227,246,721, G>A. VCF-style: chr2-227246721-G-A. GRCh37 (hg19) VCF-style: chr2-228111437-G-A.
Other names: short protein forms G142S.
Identifiers: ClinVar variation 4817262 (VCV004817262.1).